The following is an entry in ClinVar:

NM_001330260.2(SCN8A):c.5662A>T (p.Thr1888Ser)

Gene: SCN8A (sodium voltage-gated channel alpha subunit 8; plus strand). Cytogenetic location: 12q13.13.
Variant type: single nucleotide variant.
Coding change: c.5662A>T on transcript NM_001330260.2 (MANE Select); coding-DNA position 5662, A replaced by T.
Protein change: p.Thr1888Ser; replaces threonine 1888 with serine.
Molecular consequence: missense variant.
Genome position (GRCh38, 1-based): chr12:51,807,148, A>T. VCF-style: chr12-51807148-A-T. GRCh37 (hg19) VCF-style: chr12-52200932-A-T.
Other names: c.5539A>T, p.Thr1847Ser (NM_001177984.3, NM_001369788.1); c.5662A>T, p.Thr1888Ser (NM_014191.4); short protein forms T1888S, T1847S.
Identifiers: ClinVar variation 1407277 (VCV001407277.9), dbSNP rs748964384, ClinGen allele CA6571937.

ClinVar aggregate classification (germline): Uncertain significance (1 of 4 stars; one submission).

Conditions:
Early-infantile DEE. Also called: Early infantile epileptic encephalopathy; Ohtahara syndrome; Early infantile epileptic encephalopathy with suppression bursts. Identifiers: Orphanet 1934, MedGen C0393706, MONDO:0800491.

Allele frequency attached by ClinVar (database versions not stated): gnomAD exomes below 0.00001 and 0.00001; ExAC 0.00001; TOPMed 0.00001; gnomAD 0.00002.
gnomAD v4.1: 8 of 1,613,824 alleles (0.0005%); highest among the groups gnomAD compares: Non-Finnish European, 0.00068%; no homozygotes.

Submission:

Labcorp Genetics (formerly Invitae), Labcorp
Classification: Uncertain significance for Early-infantile DEE. Last evaluated: 2023-09-04. Review status: criteria provided, single submitter. Criteria: Invitae Variant Classification Sherloc (09022015). Collection method: clinical testing. Allele origin: germline.
Comment: This missense change has been observed in individual(s) with clinical features of developmental and epileptic encephalopathy (Invitae). In summary, the available evidence is currently insufficient to determine the role of this variant in disease. Therefore, it has been classified as a Variant of Uncertain Significance. Advanced modeling of protein sequence and biophysical properties (such as structural, functional, and spatial information, amino acid conservation, physicochemical variation, residue mobility, and thermodynamic stability) performed at Invitae indicates that this missense variant is not expected to disrupt SCN8A protein function. ClinVar contains an entry for this variant (Variation ID: 1407277). This variant is present in population databases (rs748964384, gnomAD 0.002%). This sequence change replaces threonine, which is neutral and polar, with serine, which is neutral and polar, at codon 1888 of the SCN8A protein (p.Thr1888Ser).